The following is an entry in ClinVar:

NM_001081.4(CUBN):c.*266C>T

Gene: CUBN (cubilin; minus strand). Cytogenetic location: 10p13.
Variant type: single nucleotide variant.
Coding change: c.*266C>T on transcript NM_001081.4 (MANE Select); 266 bases downstream of the stop codon, C replaced by T.
Molecular consequence: 3 prime UTR variant.
Genome position (GRCh38, 1-based): chr10:16,824,709, G>A on the plus strand (C>T on the coding strand, the complement: CUBN is on the minus strand). VCF-style: chr10-16824709-G-A. GRCh37 (hg19) VCF-style: chr10-16866708-G-A.
Identifiers: ClinVar variation 299345 (VCV000299345.6), dbSNP rs374059721, ClinGen allele CA10628270.

ClinVar aggregate classification (germline): Likely benign. Review status: criteria provided, multiple submitters, no conflicts (2 of 4 stars). 2 submissions from 2 submitters: Likely benign (2). Last evaluated 2018-01-12.

Conditions:
Imerslund-Grasbeck syndrome type 1 (IGS1). Also called: Megaloblastic anemia 1, Finnish type; MEGALOBLASTIC ANEMIA, 1; Imerslund-Gräsbeck syndrome 1. Identifiers: MedGen C4016819, MONDO:0100156, OMIM 261100.

Allele frequency attached by ClinVar (database versions not stated): gnomAD 0.00014 and 0.00029; TOPMed 0.00027; gnomAD exomes 0.00030; 1000 Genomes Project 30x 0.00265; 1000 Genomes Project 0.00280.
gnomAD v4.1: 114 of 389,464 alleles (0.029%); highest among the groups gnomAD compares: East Asian, 0.62%; 1 homozygote.

Submissions (2):

Illumina Laboratory Services, Illumina
Classification: Likely benign for Imerslund-Grasbeck syndrome type 1. Last evaluated: 2018-01-12. Review status: criteria provided, single submitter. Criteria: ICSL Variant Classification Criteria 13 December 2019. Collection method: clinical testing. Allele origin: germline.
Comment: This variant was observed in the ICSL laboratory as part of a predisposition screen in an ostensibly healthy population. It had not been previously curated by ICSL or reported in the Human Gene Mutation Database (HGMD: prior to June 1st, 2018), and was therefore a candidate for classification through an automated scoring system. Utilizing variant allele frequency, disease prevalence and penetrance estimates, and inheritance mode, an automated score was calculated to assess if this variant is too frequent to cause the disease. Based on the score and internal cut-off values, a variant classified as likely benign is not then subjected to further curation. The score for this variant resulted in a classification of likely benign for this disease.

Breakthrough Genomics
Classification: Likely benign. Review status: criteria provided, single submitter. Criteria: ACMG Guidelines, 2015. Collection method: not provided. Allele origin: germline. Inheritance: Autosomal recessive inheritance. Affected: yes.